The following is an entry in ClinVar:

ClinVar aggregate classification (germline): Likely benign. Review status: criteria provided, multiple submitters, no conflicts (2 of 4 stars). 2 submissions from 2 submitters: Likely benign (2). Last evaluated 2026-04-01.

gnomAD v4.1: 11 of 1,612,002 alleles (0.00068%); highest among the groups gnomAD compares: African/African-American, 0.0013%; no homozygotes.

Submissions (2):

CeGaT Center for Human Genetics Tuebingen
Classification: Likely benign. Last evaluated: 2026-04-01. Review status: criteria provided, single submitter. Criteria: CeGaT Center For Human Genetics Tuebingen Variant Classification Criteria Version 2. Collection method: clinical testing. Allele origin: germline. Affected: yes. Observed: 1 variant allele.
Comment: ZNF750: BP4

Blueprint Genetics
Classification: Likely benign. Last evaluated: 2024-06-05. Review status: criteria provided, single submitter. Criteria: ACMG Guidelines, 2015. Collection method: clinical testing. Allele origin: germline.

NM_024702.3(ZNF750):c.1868C>T (p.Ala623Val)

Genes: TBCD (tubulin folding cofactor D), ZNF750 (zinc finger protein 750; minus strand). Cytogenetic location: 17q25.3.
Variant type: single nucleotide variant.
Coding change: c.1868C>T on transcript NM_024702.3 (MANE Select); coding-DNA position 1868, C replaced by T.
Protein change: p.Ala623Val; replaces alanine 623 with valine.
Molecular consequence: missense variant. On other transcripts: intron variant (5).
Genome position (GRCh38, 1-based): chr17:82,830,446, G>A on the plus strand (C>T on the coding strand, the complement: ZNF750 is on the minus strand). VCF-style: chr17-82830446-G-A. GRCh37 (hg19) VCF-style: chr17-80788322-G-A.
Other names: c.1318+15512G>A (NM_005993.5, NM_001411102.1, NM_001437989.1); c.1267+15512G>A (NM_001411101.1); c.1129+15512G>A (NM_001438250.1); short protein forms A623V.
Identifiers: ClinVar variation 4872646 (VCV004872646.3).